The following is an entry in ClinVar:

NM_199420.4(POLQ):c.1559A>C (p.Gln520Pro)

Gene: POLQ (DNA polymerase theta; minus strand). Cytogenetic location: 3q13.33.
Variant type: single nucleotide variant.
Coding change: c.1559A>C on transcript NM_199420.4 (MANE Select); coding-DNA position 1559, A replaced by C.
Protein change: p.Gln520Pro; replaces glutamine 520 with proline.
Molecular consequence: missense variant.
Genome position (GRCh38, 1-based): chr3:121,511,939, T>G on the plus strand (A>C on the coding strand, the complement: POLQ is on the minus strand). VCF-style: chr3-121511939-T-G. GRCh37 (hg19) VCF-style: chr3-121230786-T-G.
Other names: short protein forms Q520P.
Identifiers: ClinVar variation 2448921 (VCV002448921.2), dbSNP rs1427046070, ClinGen allele CA354116112.

ClinVar aggregate classification (germline): Uncertain significance (1 of 4 stars; one submission).

Submission:

Ambry Genetics
Classification: Uncertain significance. Last evaluated: 2022-11-27. Review status: criteria provided, single submitter. Criteria: Ambry Variant Classification Scheme 2023. Collection method: clinical testing. Allele origin: germline.
Comment: The p.Q520P variant (also known as c.1559A>C), located in coding exon 10 of the POLQ gene, results from an A to C substitution at nucleotide position 1559. The glutamine at codon 520 is replaced by proline, an amino acid with similar properties. This amino acid position is conserved. In addition, this alteration is predicted to be tolerated by in silico analysis. Since supporting evidence is limited at this time, the clinical significance of this alteration remains unclear.